The following is an entry in ClinVar:

ClinVar aggregate classification (germline): Conflicting classifications of pathogenicity. Review status: criteria provided, conflicting classifications (1 of 4 stars). 3 submissions from 3 submitters: Uncertain significance (2); Likely benign (1). Last evaluated 2025-12-14.

Conditions:
Birt-Hogg-Dube syndrome. Also called: Birt Hogg Dubé syndrome. Identifiers: Orphanet 122, MedGen C0346010, MONDO:0800444.
Hereditary cancer-predisposing syndrome. Also called: Hereditary neoplastic syndrome; Neoplastic Syndromes, Hereditary; Hereditary Cancer Syndrome; Tumor predisposition. Identifiers: Orphanet 140162, MedGen C0027672, MeSH D009386, MONDO:0015356.

Allele frequency attached by ClinVar (database versions not stated): gnomAD exomes below 0.00001; gnomAD 0.00001; TOPMed 0.00001.

Submissions (3):

Labcorp Genetics (formerly Invitae), Labcorp
Classification: Uncertain significance for Birt-Hogg-Dube syndrome. Last evaluated: 2025-12-14. Review status: criteria provided, single submitter. Criteria: Invitae Variant Classification Sherloc (09022015). Collection method: clinical testing. Allele origin: germline.
Comment: This sequence change is expected to alter the c-terminus of the FLCN protein (p.His564Thrfs*24). While this is not anticipated to result in nonsense mediated decay, it is expected to disrupt the last 16 amino acid(s) of the FLCN protein and extend the protein by 7 additional amino acid residues. This variant is not present in population databases (gnomAD no frequency). This variant has not been reported in the literature in individuals affected with FLCN-related conditions. ClinVar contains an entry for this variant (Variation ID: 572698). Experimental studies and prediction algorithms are not available or were not evaluated, and the functional significance of this variant is currently unknown. In summary, the available evidence is currently insufficient to determine the role of this variant in disease. Therefore, it has been classified as a Variant of Uncertain Significance.

Quest Diagnostics Nichols Institute San Juan Capistrano
Classification: Uncertain significance. Last evaluated: 2024-12-17. Review status: criteria provided, single submitter. Criteria: Quest Diagnostics criteria. Collection method: clinical testing. Allele origin: unknown.
Comment: The FLCN c.1689del (p.His564Thrfs*24) variant alters the translational reading frame of the FLCN mRNA and is predicted to cause the premature termination of FLCN protein synthesis. However, this variant occurs in the terminal exon of the FLCN gene and is not expected to case loss of protein expression through non-sense mediated decay. This variant has not been reported in individuals with FLCN-related conditions in the published literature. The frequency of this variant in the general population (Genome Aggregation Database) is uninformative in the assessment of its pathogenicity. Based on the available information, we are unable to determine the clinical significance of this variant.

Ambry Genetics
Classification: Likely benign for Hereditary cancer-predisposing syndrome. Last evaluated: 2024-07-03. Review status: criteria provided, single submitter. Criteria: Ambry Variant Classification Scheme 2023. Collection method: clinical testing. Allele origin: germline.

NM_144997.7(FLCN):c.1689del (p.His564fs)

Gene: FLCN (folliculin; minus strand). Cytogenetic location: 17p11.2.
Variant type: Deletion.
Coding change: c.1689del on transcript NM_144997.7 (MANE Select); coding-DNA position 1689, one base deleted (A; older notation c.1689delA).
Protein change: p.His564fs; shifts the reading frame from histidine 564.
Molecular consequence: frameshift variant.
Genome position (GRCh38, 1-based): chr17:17,213,706, T deleted on the plus strand (A on the coding strand, the reverse complement: FLCN is on the minus strand). VCF-style (leftmost placement, unchanged base first): chr17-17213705-GT-G. GRCh37 (hg19) VCF-style: chr17-17117019-GT-G.
Other names: c.1743del, p.His582fs (NM_001353229.2); c.1689del, p.His564fs (NM_001353230.2, NM_001353231.2); c.1689del (NM_144997.5, NM_144997.6, LRG_325t1); short protein forms H564fs, H582fs.
Identifiers: ClinVar variation 572698 (VCV000572698.15), dbSNP rs1314645884, ClinGen allele CA726582335.